The following is an entry in ClinVar:

ClinVar aggregate classification (germline): Pathogenic. Review status: reviewed by expert panel (3 of 4 stars). 12 submissions from 12 submitters: Pathogenic (1). 11 of the submissions do not count toward it. Last evaluated 2024-12-03.
ClinVar aggregate classification (oncogenicity): Likely oncogenic (1 of 4 stars; one submission).

Conditions:
Noonan syndrome 2 (NS2). Identifiers: Orphanet 648, MedGen C1854469, MONDO:0011531, OMIM 605275.
RASopathy. Also called: rasopathies; Noonan spectrum disorder. Identifiers: Orphanet 536391, MedGen C5555857, MONDO:0021060.
LZTR1-related schwannomatosis. Also called: Schwannomatosis 2; Schwannomatosis-2, susceptibility to. Identifiers: Orphanet 93921, MedGen C3810283, MONDO:0014299, OMIM 615670.
LZTR1-related disorder. Also called: LZTR1-related disorders; LZTR1-related condition.
Hereditary cancer-predisposing syndrome. Also called: Tumor predisposition; Neoplastic Syndromes, Hereditary; Hereditary neoplastic syndrome; Hereditary Cancer Syndrome. Identifiers: Orphanet 140162, MedGen C0027672, MeSH D009386, MONDO:0015356.
Cardiovascular phenotype. Identifiers: MedGen CN230736.
Neoplasm. Also called: tumor; Neoplasms; Neoplasm (disease). Identifiers: MedGen C0027651, MeSH D009369, MONDO:0005070, HP:0002664.

Submissions 1 to 11 of 13:

ClinGen RASopathy Variant Curation Expert Panel
Classification: Pathogenic for RASopathy. Last evaluated: 2024-12-03. Review status: reviewed by expert panel. Criteria: ClinGen RASopathy ACMG Specifications LZTR1 V1.3.0. Collection method: curation. Allele origin: germline. Inheritance: Autosomal recessive inheritance.
Comment: The c.27dup (p.Gln10fs) variant in LZTR1 is a frameshift variant predicted to cause a premature stop codon 24 amino acids downstream in biologically-relevant-exon 1 (of 21) and is predicted to lead to nonsense mediated decay in a gene in which loss-of-function is an established disease mechanism (PVS1). The highest population minor allele frequency in gnomAD v2.1.1 is 0.0001139 (4/13466 alleles) in the East Asian population (PM2_Supporting, BS1, and BA1 are not met). They were compound heterozygous for the variant and a pathogenic or likely pathogenic variant and which was confirmed in trans by family testing (c.1943-256C>T (p.T648fs*36), 1 PM3 point, PMID: 32623905) (PM3). ERK activation assay in patient-specific cardiomyocytes showed significantly increased levels of phosphorylated ERK supporting the abnormal impact due to loss of LZTR1 function (PMID:32623905)(PS3_Supporting). In summary, this variant meets the criteria to be classified as pathogenic for autosomal recessive RASopathy based on the ACMG/AMP criteria applied, as specified by the ClinGen RASopathy VCEP: PVS1, PM3, PS3_Supporting. (ClinGen RASopathy VCEP specifications version 1.3; 12/3/2024)

Dasa
Classification: Pathogenic. Last evaluated: 2026-02-06. Review status: criteria provided, single submitter. Criteria: DASA Assertion Criteria. Collection method: clinical testing. Allele origin: germline. Not counted in ClinVar's aggregate classification.
Comment: NM_006767.4(LZTR1):c.27dup (p.Gln10Alafs*24) is a frameshift variant in LZTR1 predicted to alter the reading frame and introduce a premature termination codon and is predicted to result in an absent or altered protein product. Loss of function is an established disease mechanism for LZTR1-associated disorders. This variant has been reported in individuals with LZTR1-related disorders (PMID: 32623905). Functional evidence supports an impact on the gene or gene product (PMID: 32623905). Also, this variant is rare in population databases. Based on the currently available evidence, this variant is classified as pathogenic.

Labcorp Genetics (formerly Invitae), Labcorp
Classification: Pathogenic. Last evaluated: 2026-01-19. Review status: criteria provided, single submitter. Criteria: Invitae Variant Classification Sherloc (09022015). Collection method: clinical testing. Allele origin: germline. Not counted in ClinVar's aggregate classification.
Comment: This sequence change creates a premature translational stop signal (p.Gln10Alafs*24) in the LZTR1 gene. It is expected to result in an absent or disrupted protein product. Loss-of-function variants in LZTR1 are known to be pathogenic (PMID: 24362817, 25335493, 25480913, 25795793, 29469822, 30368668, 30442762, 30442766, 30481304, 30859559). The frequency data for this variant in the population databases is considered unreliable, as metrics indicate poor data quality at this position in the gnomAD database. This premature translational stop signal has been observed in individual(s) with autosomal recessive Noonan syndrome (PMID: 32623905). It has also been observed to segregate with disease in related individuals. ClinVar contains an entry for this variant (Variation ID: 372684). For these reasons, this variant has been classified as Pathogenic.

GeneDx
Classification: Likely pathogenic. Last evaluated: 2025-08-19. Review status: criteria provided, single submitter. Criteria: GeneDx Variant Classification Process June 2021. Collection method: clinical testing. Allele origin: germline. Affected: yes. Not counted in ClinVar's aggregate classification.
Comment: Frameshift variant predicted to result in protein truncation, and other loss-of-function variants have been reported downstream in the Human Gene Mutation Database (HGMD); This variant is associated with the following publications: (PMID: 33897756, 24077912, 32623905, 30368668, 35861108, 38496821)

Institute for Genomic Medicine (IGM) Clinical Laboratory, Nationwide Children's Hospital
Classification: Pathogenic for LZTR1-related schwannomatosis. Last evaluated: 2025-08-12. Review status: criteria provided, single submitter. Criteria: ACMG Guidelines, 2015. Collection method: clinical testing. Allele origin: germline. Not counted in ClinVar's aggregate classification.
Comment: This variant is predicted to result in loss of function through nonsense-mediated decay of the encoded transcript or premature truncation of the encoded protein in a gene in which loss of function is a known mechanism of disease (ACMG/AMP: PVS1). Well-established functional studies have demonstrated this variant to have a damaging effect on protein function or splicing (ACMG/AMP: PS3_Supporting; PMID:32623905). This variant has been observed in trans with a pathogenic variant (ACMG/AMP: PM3; PMID:32623905).

PreventionGenetics, part of Exact Sciences
Classification: Pathogenic for LZTR1-related condition. Last evaluated: 2025-04-09. Review status: criteria provided, single submitter. Criteria: ACMG Guidelines, 2015. Collection method: clinical testing. Allele origin: germline. Not counted in ClinVar's aggregate classification.
Comment: The LZTR1 c.27dupG variant is predicted to result in a frameshift and premature protein termination (p.Gln10Alafs*24). This variant was reported in the compound heterozygous state with a splice variant in two siblings with Noonan syndrome (Hanses et al. 2020. PubMed ID: 32623905). The mother carrying the c.27dup variant was reported to be unaffected (Hanses et al. 2020. PubMed ID: 32623905). This variant is reported in 0.030% of alleles in individuals of East Asian descent in gnomAD and has been interpreted as likely pathogenic/pathogenic in ClinVar. This variant is interpreted as pathogenic for autosomal recessive Noonan syndrome and autosomal dominant susceptibility to schwannomatosis. However, this variant is interpreted as uncertain for autosomal dominant Noonan syndrome.

Center for Genomic Medicine, Rigshospitalet, Copenhagen University Hospital
Classification: Likely oncogenic for Neoplasm. Last evaluated: 2025-03-04. Review status: criteria provided, single submitter. Criteria: ClinGen/CGC/VICC Guidelines for Oncogenicity, 2022. Collection method: clinical testing. Allele origin: somatic. Affected: yes.

CeGaT Center for Human Genetics Tuebingen
Classification: Pathogenic. Last evaluated: 2025-01-01. Review status: criteria provided, single submitter. Criteria: CeGaT Center For Human Genetics Tuebingen Variant Classification Criteria Version 2. Collection method: clinical testing. Allele origin: germline. Affected: yes. Observed: 1 variant allele. Not counted in ClinVar's aggregate classification.
Comment: LZTR1: PVS1, PM2

Ambry Genetics
Classification: Pathogenic for Cardiovascular phenotype; Hereditary cancer-predisposing syndrome. Last evaluated: 2024-11-07. Review status: criteria provided, single submitter. Criteria: Ambry Variant Classification Scheme 2023. Collection method: clinical testing. Allele origin: germline. Not counted in ClinVar's aggregate classification.
Comment: The c.27dupG pathogenic mutation, located in coding exon 1 of the LZTR1 gene, results from a duplication of G at nucleotide position 27, causing a translational frameshift with a predicted alternate stop codon (p.Q10Afs*24). This alteration has been reported in two siblings with autosomal recessive Noonan syndrome (Hanses U et al. Circulation, 2020 09;142:1059-1076). Loss-of-function variants in LZTR1 are related to an increased risk for schwannomas and autosomal recessive Noonan syndrome; however, such associations with autosomal dominant Noonan syndrome have not been observed (Piotrowski A et al. Nat Genet. 2014 Feb;46:182-7; Yamamoto GL et al. J Med Genet. 2015 Jun;52:413-21; Johnston JJ et al. Genet Med. 2018 10;20:1175-1185). Based on the supporting evidence, this variant is pathogenic for an increased risk of LZTR1-related schwannomatosis (SWN) and would be expected to cause autosomal recessive Noonan syndrome when present along with a second pathogenic or likely pathogenic variant on the other allele; however, the association of this alteration with autosomal dominant Noonan syndrome is unlikely.

Baylor Genetics
Classification: Pathogenic for LZTR1-related schwannomatosis. Last evaluated: 2024-03-04. Review status: criteria provided, single submitter. Criteria: ACMG Guidelines, 2015. Collection method: clinical testing. Allele origin: unknown. Not counted in ClinVar's aggregate classification.

Blueprint Genetics
Classification: Likely pathogenic for LZTR1-related disorders. Last evaluated: 2022-08-03. Review status: criteria provided, single submitter. Criteria: ACMG Guidelines, 2015. Collection method: clinical testing. Allele origin: germline. Affected: yes. Observed: 4 variant alleles. Not counted in ClinVar's aggregate classification.

NM_006767.4(LZTR1):c.27dup (p.Gln10fs)

Genes: LZTR1 (leucine zipper like post translational regulator 1; plus strand), LOC130067016 (ATAC-STARR-seq lymphoblastoid silent region 13504; plus strand). Cytogenetic location: 22q11.21.
Variant type: Duplication.
Coding change: c.27dup on transcript NM_006767.4 (MANE Select); coding-DNA position 27, one base duplicated (G; older notation c.27dupG).
Protein change: p.Gln10fs; shifts the reading frame from glutamine 10.
Molecular consequence: frameshift variant.
Genome position (GRCh38, 1-based): chr22:20,982,398, G duplicated; the last of 7 consecutive G bases (chr22:20,982,392-20,982,398); duplicating any one gives the same sequence. VCF-style (leftmost placement, unchanged base first): chr22-20982391-C-CG. GRCh37 (hg19) VCF-style: chr22-21336680-C-CG.
Other names: NM_006767.4(LZTR1):c.27dup; p.Gln10fs; c.27dupG (NM_006767.4, NM_006767.3); short protein forms Q10fs.
Identifiers: ClinVar variation 372684 (VCV000372684.39), dbSNP rs587777613, ClinGen allele CA10118264.